The following is an entry in ClinVar:

NC_000016.9:g.(?_89807202)_(89883024_?)del

Genes: FANCA (FA complementation group A; minus strand), ZNF276 (zinc finger protein 276; plus strand). Cytogenetic location: 16q24.3.
Variant type: Deletion.
Identifiers: ClinVar variation 1069158 (VCV001069158.5).

ClinVar aggregate classification (germline): Pathogenic (1 of 4 stars; one submission).

Conditions:
Fanconi anemia (FA). Also called: Fanconi's anemia. Identifiers: Orphanet 84, MedGen C0015625, MeSH D005199, MONDO:0019391.

Submission:

Labcorp Genetics (formerly Invitae), Labcorp
Classification: Pathogenic for Fanconi anemia. Last evaluated: 2020-01-18. Review status: criteria provided, single submitter. Criteria: Invitae Variant Classification Sherloc (09022015). Collection method: clinical testing. Allele origin: germline.
Comment: For these reasons, this variant has been classified as Pathogenic. Loss-of-function variants in FANCA are known to be pathogenic (PMID: 19367192). This variant has not been reported in the literature in individuals with FANCA-related conditions. This variant is a gross deletion of the genomic region encompassing exons 1-38 of the FANCA gene, which includes the initiator codon. The 5' end of this event is unknown as it extends beyond the assayed region for this gene and therefore may encompass additional genes. The 3' boundary is likely confined to intron 38 of the FANCA gene. This is expected to result in an absent or disrupted protein product.

Literature cited by the submitters: PubMed 19367192.